The following is an entry in ClinVar:

NM_022095.4(ZNF335):c.3180C>T (p.Pro1060=)

Gene: ZNF335 (zinc finger protein 335; minus strand). Cytogenetic location: 20q13.12.
Variant type: single nucleotide variant.
Coding change: c.3180C>T on transcript NM_022095.4 (MANE Select); coding-DNA position 3180, C replaced by T.
Protein change: p.Pro1060=; no amino-acid change (proline 1060 retained).
Molecular consequence: synonymous variant.
Genome position (GRCh38, 1-based): chr20:45,952,156, G>A on the plus strand (C>T on the coding strand, the complement: ZNF335 is on the minus strand). VCF-style: chr20-45952156-G-A. GRCh37 (hg19) VCF-style: chr20-44580795-G-A.
Identifiers: ClinVar variation 130801 (VCV000130801.22), dbSNP rs61729182, ClinGen allele CA156090.

ClinVar aggregate classification (germline): Benign/Likely benign. Review status: criteria provided, multiple submitters, no conflicts (2 of 4 stars). 5 submissions from 5 submitters: Benign (2); Likely benign (2). 1 of the submissions does not count toward it. Last evaluated 2026-01-15.

Conditions:
Microcephalic primordial dwarfism due to ZNF335 deficiency. Also called: Primary autosomal recessive microcephaly 10. Identifiers: Orphanet 329228, MedGen C3554499, MONDO:0014043, OMIM 615095.

Allele frequency attached by ClinVar (database versions not stated): gnomAD exomes 0.00164; ExAC 0.00209; gnomAD 0.00614 and 0.00669; ESP Exome Variant Server 0.00718; 1000 Genomes Project 0.00719; TOPMed 0.00719; 1000 Genomes Project 30x 0.00750.
gnomAD v4.1: 1,915 of 1,599,272 alleles (0.12%); highest among the groups gnomAD compares: African/African-American, 2.3%; 32 homozygotes.

Submissions (5):

Labcorp Genetics (formerly Invitae), Labcorp
Classification: Benign. Last evaluated: 2026-01-15. Review status: criteria provided, single submitter. Criteria: Invitae Variant Classification Sherloc (09022015). Collection method: clinical testing. Allele origin: germline.

Genome-Nilou Lab
Classification: Benign for Microcephalic primordial dwarfism due to ZNF335 deficiency. Last evaluated: 2021-12-05. Review status: criteria provided, single submitter. Criteria: ACMG Guidelines, 2015. Collection method: clinical testing. Allele origin: germline. Affected: no.

GeneDx
Classification: Likely benign. Last evaluated: 2021-10-19. Review status: criteria provided, single submitter. Criteria: GeneDx Variant Classification Process June 2021. Collection method: clinical testing. Allele origin: germline. Affected: yes.

Breakthrough Genomics
Classification: Likely benign. Review status: criteria provided, single submitter. Criteria: ACMG Guidelines, 2015. Collection method: not provided. Allele origin: germline. Inheritance: Autosomal recessive inheritance. Affected: yes.

Genetic Services Laboratory, University of Chicago
Classification: Likely benign for AllHighlyPenetrant. Review status: no assertion criteria provided. Collection method: clinical testing. Allele origin: germline. Inheritance: Autosomal recessive inheritance. Not counted in ClinVar's aggregate classification.
Comment: Likely benign based on allele frequency in 1000 Genomes Project or ESP global frequency and its presence in a patient with a rare or unrelated disease phenotype. NOT Sanger confirmed.